The following is an entry in ClinVar:

ClinVar aggregate classification (germline): Uncertain significance. Review status: criteria provided, multiple submitters, no conflicts (2 of 4 stars). 5 submissions from 5 submitters: Uncertain significance (5). Last evaluated 2025-01-10.

Conditions:
Hypophosphatemic rickets, autosomal recessive, 1 (ARHR1). Also called: HYPOPHOSPHATEMIA, AUTOSOMAL RECESSIVE. Identifiers: Orphanet 289176, MedGen C4551495, MONDO:0009430, OMIM 241520. Disease mechanism: loss of function.
Inborn genetic diseases. Identifiers: MedGen C0950123, MeSH D030342.

Allele frequency attached by ClinVar (database versions not stated): ESP Exome Variant Server 0.00008; TOPMed 0.00013; gnomAD 0.00017 and 0.00019.
gnomAD v4.1: 406 of 1,613,568 alleles (0.025%); highest among the groups gnomAD compares: Non-Finnish European, 0.032%; no homozygotes.

Submissions (5):

Ambry Genetics
Classification: Uncertain significance for Inborn genetic diseases. Last evaluated: 2025-01-10. Review status: criteria provided, single submitter. Criteria: Ambry Variant Classification Scheme 2023. Collection method: clinical testing. Allele origin: germline.

Fulgent Genetics
Classification: Uncertain significance for Hypophosphatemic rickets, autosomal recessive, 1. Last evaluated: 2024-05-24. Review status: criteria provided, single submitter. Criteria: ACMG Guidelines, 2015. Collection method: clinical testing. Allele origin: germline.

Labcorp Genetics (formerly Invitae), Labcorp
Classification: Uncertain significance. Last evaluated: 2022-02-08. Review status: criteria provided, single submitter. Criteria: Invitae Variant Classification Sherloc (09022015). Collection method: clinical testing. Allele origin: germline.
Comment: This sequence change replaces asparagine, which is neutral and polar, with lysine, which is basic and polar, at codon 332 of the DMP1 protein (p.Asn332Lys). This variant is present in population databases (rs200882371, gnomAD 0.02%). This variant has not been reported in the literature in individuals affected with DMP1-related conditions. ClinVar contains an entry for this variant (Variation ID: 906176). Algorithms developed to predict the effect of missense changes on protein structure and function output the following: SIFT: "Tolerated"; PolyPhen-2: "Benign"; Align-GVGD: "Class C0". The lysine amino acid residue is found in multiple mammalian species, which suggests that this missense change does not adversely affect protein function. In summary, the available evidence is currently insufficient to determine the role of this variant in disease. Therefore, it has been classified as a Variant of Uncertain Significance.

GeneDx
Classification: Uncertain significance. Last evaluated: 2019-08-20. Review status: criteria provided, single submitter. Criteria: GeneDx Variant Classification Process June 2021. Collection method: clinical testing. Allele origin: germline. Affected: yes.
Comment: In silico analysis, which includes protein predictors and evolutionary conservation, supports a deleterious effect; Has not been previously published as pathogenic or benign to our knowledge

Illumina Laboratory Services, Illumina
Classification: Uncertain significance for Hypophosphatemic rickets, autosomal recessive, 1. Last evaluated: 2018-01-13. Review status: criteria provided, single submitter. Criteria: ICSL Variant Classification Criteria 13 December 2019. Collection method: clinical testing. Allele origin: germline.

NM_004407.4(DMP1):c.996C>G (p.Asn332Lys)

Genes: DMP1 (dentin matrix acidic phosphoprotein 1; plus strand), DMP1-AS1 (DMP1 and DSPP antisense RNA 1; minus strand). Cytogenetic location: 4q22.1.
Variant type: single nucleotide variant.
Coding change: c.996C>G on transcript NM_004407.4 (MANE Select); coding-DNA position 996, C replaced by G.
Protein change: p.Asn332Lys; replaces asparagine 332 with lysine.
Molecular consequence: missense variant.
Genome position (GRCh38, 1-based): chr4:87,662,774, C>G. VCF-style: chr4-87662774-C-G. GRCh37 (hg19) VCF-style: chr4-88583926-C-G.
Other names: c.948C>G, p.Asn316Lys (NM_001079911.3); short protein forms N332K, N316K.
Identifiers: ClinVar variation 906176 (VCV000906176.12), dbSNP rs200882371, ClinGen allele CA3002121.